The following is an entry in ClinVar:

Single allele

Variant type: Deletion.
Identifiers: ClinVar variation 157311 (VCV000157311.2).

ClinVar aggregate classification (germline): not provided (0 of 4 stars; one submission).

Conditions:
Large for gestational age. Identifiers: MedGen C1848395, HP:0001520.

Submission:

Institute of Molecular and Cell Biology, University of Tartu
No classification provided. Condition: Large for gestational age. Review status: no classification provided. Collection method: case-control. Allele origin: unknown. Affected: yes. Study: Kasak2014.
Comment: The study aimed to determine the contribution of copy number variants in the genetic etiology of normal and complicated pregnancies. The samples represented (i) maternal blood DNA drawn from healthy pregnant women during 1st or 2nd trimester and (ii) maternal and paternal blood DNA drawn at term pregnancy cases representing normal and complicated gestations (severe preeclampsia, PE; gestational diabetes, GD; small-for-gestational age newborn, SGA; large-for-gestational age newborn, LGA). We performed CNV calling based on genome-wide genotyping dataset (Illumina HumanOmniExpress-24-v1 BeadChip) by applying three algorithms, QuantiSNP, GADA (Genome Alteration Detection Algorithm) and CNstream in parallel. The acquired CNV calls were merged with HD-CNV (Hotspot Detector for Copy Number Variants) program and only the CNVs predicted by at least two programs, were considered in subsequent analysis.

Literature cited by the submitters: PubMed 25666259.